The following is an entry in ClinVar:

ClinVar aggregate classification (germline): Uncertain significance (1 of 4 stars; one submission).

Submission:

Women's Health and Genetics/Laboratory Corporation of America, LabCorp
Classification: Uncertain significance. Last evaluated: 2025-03-14. Review status: criteria provided, single submitter. Criteria: LabCorp Variant Classification Summary - May 2015. Collection method: clinical testing. Allele origin: germline.
Comment: Variant summary: The variant involves the deletion of exons 10-13 in the ATAD3A gene. A presumed nomenclature of c.(963+1_964-1)_(1337+1_1338-1)del has been designated for the purposes of this classification. Current evidence is not sufficient to establish loss of function as a mechanism for disease. The variant was absent in 21694 control chromosomes. The available data on variant occurrences in the general population are insufficient to allow any conclusion about variant significance. To our knowledge, no occurrence of c.(963+1_964-1)_(1337+1_1338-1)del in individuals affected with Harel-Yoon syndrome-AD and no experimental evidence demonstrating its impact on protein function have been reported. No submitters have cited clinical-significance assessments for this variant to ClinVar. Based on the evidence outlined above, the variant was classified as uncertain significance.

NC_000001.10:g.(1458948_1459218)_(1461912_1463074)del

Gene: ATAD3A (ATPase family AAA domain containing 3A; plus strand). Cytogenetic location: 1p36.33.
Variant type: Deletion.
Identifiers: ClinVar variation 3895646 (VCV003895646.1).